The following is an entry in ClinVar:

NM_001256071.3(RNF213):c.145A>G (p.Met49Val)

Gene: RNF213 (ring finger protein 213; plus strand). Cytogenetic location: 17q25.3.
Variant type: single nucleotide variant.
Coding change: c.145A>G on transcript NM_001256071.3 (MANE Select); coding-DNA position 145, A replaced by G.
Protein change: p.Met49Val; replaces methionine 49 with valine.
Molecular consequence: missense variant.
Genome position (GRCh38, 1-based): chr17:80,273,288, A>G. VCF-style: chr17-80273288-A-G. GRCh37 (hg19) VCF-style: chr17-78247087-A-G.
Other names: p.Met49Val; c.145A>G, p.Met49Val (NM_020954.4); short protein forms M49V.
Identifiers: ClinVar variation 718883 (VCV000718883.9), dbSNP rs114493717, ClinGen allele CA8819153.

ClinVar aggregate classification (germline): Benign. Review status: criteria provided, multiple submitters, no conflicts (2 of 4 stars). 3 submissions from 3 submitters: Benign (3). Last evaluated 2025-05-23.

Allele frequency attached by ClinVar (database versions not stated): gnomAD exomes 0.00046 and 0.00139; ExAC 0.00174; gnomAD 0.00461 and 0.00498; ESP Exome Variant Server 0.00515; TOPMed 0.00536; 1000 Genomes Project 0.00719; 1000 Genomes Project 30x 0.00781.
gnomAD v4.1: 1,418 of 1,613,602 alleles (0.088%); highest among the groups gnomAD compares: African/African-American, 1.7%; 12 homozygotes.

Submissions (3):

Labcorp Genetics (formerly Invitae), Labcorp
Classification: Benign. Last evaluated: 2025-05-23. Review status: criteria provided, single submitter. Criteria: Invitae Variant Classification Sherloc (09022015). Collection method: clinical testing. Allele origin: germline.

Mayo Clinic Laboratories, Mayo Clinic
Classification: Benign. Last evaluated: 2025-04-02. Review status: criteria provided, single submitter. Criteria: ACMG Guidelines, 2015. Collection method: clinical testing. Allele origin: germline. Observed: 2 variant alleles.
Comment: BS1, BS2, BP4_strong

Breakthrough Genomics
Classification: Benign. Review status: criteria provided, single submitter. Criteria: ACMG Guidelines, 2015. Collection method: not provided. Allele origin: germline. Inheritance: Autosomal dominant inheritance. Affected: yes.